The following is an entry in ClinVar:

NM_022173.4(TIA1):c.869T>C (p.Met290Thr)

Gene: TIA1 (TIA1 cytotoxic granule associated RNA binding protein; minus strand). Cytogenetic location: 2p13.3.
Variant type: single nucleotide variant.
Coding change: c.869T>C on transcript NM_022173.4 (MANE Select); coding-DNA position 869, T replaced by C.
Protein change: p.Met290Thr; replaces methionine 290 with threonine.
Molecular consequence: missense variant. On other transcripts: non-coding transcript variant (17).
Genome position (GRCh38, 1-based): chr2:70,215,390, A>G on the plus strand (T>C on the coding strand, the complement: TIA1 is on the minus strand). VCF-style: chr2-70215390-A-G. GRCh37 (hg19) VCF-style: chr2-70442522-A-G.
Other names: c.869T>C, p.Met290Thr (NM_001351508.2); c.842T>C, p.Met281Thr (NM_001351509.2); c.836T>C, p.Met279Thr (NM_001351510.2, NM_022037.4); c.758T>C, p.Met253Thr (NM_001351511.1); c.731T>C, p.Met244Thr (NM_001351512.1); c.725T>C, p.Met242Thr (NM_001351513.1); c.641T>C, p.Met214Thr (NM_001351514.2); c.566T>C, p.Met189Thr (NM_001351515.2); and 1 more; short protein forms M290T, M189T, M279T, M150T, M281T, M214T, M242T, M244T.
Identifiers: ClinVar variation 578669 (VCV000578669.10), dbSNP rs116707801, ClinGen allele CA1697459.
Genomic context (GRCh38, chr2:70,215,390, plus strand): 5'-TTAGCCCAACAATTACTTCTCAAAGTTAAGAACCCTCTCACCTGTTGCACGGGATTTATC[A>G]TATCAAGAGTTTCTTTGCCCCAATAGCATTTCACAACATGACCTTCAATGGTAGTACCAT-3'
Protein context (NP_071505.2, residues 280-300): KCYWGKETLD[Met290Thr]INPVQQQNQI

ClinVar aggregate classification (germline): Uncertain significance (1 of 4 stars; one submission).

Conditions:
Welander distal myopathy (WDM). Also called: Gower's muscular dystrophy; Welander distal myopathy, Swedish type; Distal myopathy, Swedish type; MUSCULAR DYSTROPHY, DISTAL, LATE-ONSET, AUTOSOMAL DOMINANT. Identifiers: Orphanet 603, MedGen C0221054, MONDO:0011466, OMIM 604454.

Allele frequency attached by ClinVar (database versions not stated): TOPMed 0.00002; ExAC 0.00003; gnomAD exomes 0.00003 and 0.00004; gnomAD 0.00004 and 0.00005; ESP Exome Variant Server 0.00008; 1000 Genomes Project 30x 0.00016; 1000 Genomes Project 0.00020.

Submission:

Labcorp Genetics (formerly Invitae), Labcorp
Classification: Uncertain significance for Welander distal myopathy. Last evaluated: 2024-06-20. Review status: criteria provided, single submitter. Criteria: Invitae Variant Classification Sherloc (09022015). Collection method: clinical testing. Allele origin: germline.
Comment: This sequence change replaces methionine, which is neutral and non-polar, with threonine, which is neutral and polar, at codon 290 of the TIA1 protein (p.Met290Thr). This variant is present in population databases (rs116707801, gnomAD 0.01%). This missense change has been observed in individual(s) with frontotemporal dementia (PMID: 29886022). ClinVar contains an entry for this variant (Variation ID: 578669). Advanced modeling of protein sequence and biophysical properties (such as structural, functional, and spatial information, amino acid conservation, physicochemical variation, residue mobility, and thermodynamic stability) performed at Invitae indicates that this missense variant is not expected to disrupt TIA1 protein function with a negative predictive value of 80%. In summary, the available evidence is currently insufficient to determine the role of this variant in disease. Therefore, it has been classified as a Variant of Uncertain Significance.

Literature cited by the submitters: PubMed 29886022.